The following is an entry in ClinVar:

NM_198576.4(AGRN):c.3064T>A (p.Ser1022Thr)

Gene: AGRN (agrin; plus strand). Cytogenetic location: 1p36.33.
Variant type: single nucleotide variant.
Coding change: c.3064T>A on transcript NM_198576.4 (MANE Select); coding-DNA position 3064, T replaced by A.
Protein change: p.Ser1022Thr; replaces serine 1022 with threonine.
Molecular consequence: missense variant.
Genome position (GRCh38, 1-based): chr1:1,046,549, T>A. VCF-style: chr1-1046549-T-A. GRCh37 (hg19) VCF-style: chr1-981929-T-A.
Other names: c.3064T>A, p.Ser1022Thr (NM_001305275.2); c.2749T>A, p.Ser917Thr (NM_001364727.2); short protein forms S1022T, S917T.
Identifiers: ClinVar variation 2165981 (VCV002165981.1), dbSNP rs772191494, ClinGen allele CA508938.
Genomic context (GRCh38, chr1:1,046,549, plus strand): 5'-GGCGCCCTCCCCCTGGCTCCCAGCAGTACCGCACACAGCCAGACCACCCCTCCGCCCTCA[T>A]CACGACCTCGGACCACTGCCAGCGTCCCCAGGACCACCGTGTGGCCCGTGCTGACGGTGC-3'
Protein context (NP_940978.2, residues 1012-1032): AHSQTTPPPS[Ser1022Thr]RPRTTASVPR

ClinVar aggregate classification (germline): Uncertain significance (1 of 4 stars; one submission).

Conditions:
Congenital myasthenic syndrome 8. Also called: Myasthenic syndrome, congenital, 8, with pre- and postsynaptic defects; MYASTHENIC SYNDROME, CONGENITAL, DUE TO AGRIN DEFICIENCY. Identifiers: Orphanet 590, MedGen C3808739, MONDO:0014052, OMIM 615120.

Allele frequency attached by ClinVar (database versions not stated): gnomAD exomes below 0.00001; ExAC 0.00001.
gnomAD v4.1: 2 of 1,609,578 alleles (0.00012%); highest among the groups gnomAD compares: Admixed American, 0.0033%; no homozygotes.

Submission:

Labcorp Genetics (formerly Invitae), Labcorp
Classification: Uncertain significance for Congenital myasthenic syndrome 8. Last evaluated: 2022-07-03. Review status: criteria provided, single submitter. Criteria: Invitae Variant Classification Sherloc (09022015). Collection method: clinical testing. Allele origin: germline.
Comment: This sequence change replaces serine, which is neutral and polar, with threonine, which is neutral and polar, at codon 1022 of the AGRN protein (p.Ser1022Thr). The frequency data for this variant in the population databases is considered unreliable, as metrics indicate poor data quality at this position in the gnomAD database. This variant has not been reported in the literature in individuals affected with AGRN-related conditions. Algorithms developed to predict the effect of missense changes on protein structure and function (SIFT, PolyPhen-2, Align-GVGD) all suggest that this variant is likely to be tolerated. In summary, the available evidence is currently insufficient to determine the role of this variant in disease. Therefore, it has been classified as a Variant of Uncertain Significance.